The following is an entry in ClinVar:

ClinVar aggregate classification (germline): Uncertain significance (1 of 4 stars; one submission).

Submission:

Labcorp Genetics (formerly Invitae), Labcorp
Classification: Uncertain significance. Last evaluated: 2024-11-13. Review status: criteria provided, single submitter. Criteria: Invitae Variant Classification Sherloc (09022015). Collection method: clinical testing. Allele origin: germline.
Comment: This sequence change replaces methionine, which is neutral and non-polar, with isoleucine, which is neutral and non-polar, at codon 245 of the DVL1 protein (p.Met245Ile). This variant is not present in population databases (gnomAD no frequency). This variant has not been reported in the literature in individuals affected with DVL1-related conditions. Invitae Evidence Modeling of protein sequence and biophysical properties (such as structural, functional, and spatial information, amino acid conservation, physicochemical variation, residue mobility, and thermodynamic stability) has been performed for this missense variant. However, the output from this modeling did not meet the statistical confidence thresholds required to predict the impact of this variant on DVL1 protein function. In summary, the available evidence is currently insufficient to determine the role of this variant in disease. Therefore, it has been classified as a Variant of Uncertain Significance.

NM_001330311.2(DVL1):c.735G>A (p.Met245Ile)

Gene: DVL1 (dishevelled segment polarity protein 1; minus strand). Cytogenetic location: 1p36.33.
Variant type: single nucleotide variant.
Coding change: c.735G>A on transcript NM_001330311.2 (MANE Select); coding-DNA position 735, G replaced by A.
Protein change: p.Met245Ile; replaces methionine 245 with isoleucine.
Molecular consequence: missense variant.
Genome position (GRCh38, 1-based): chr1:1,340,281, C>T on the plus strand (G>A on the coding strand, the complement: DVL1 is on the minus strand). VCF-style: chr1-1340281-C-T. GRCh37 (hg19) VCF-style: chr1-1275661-C-T.
Other names: c.735G>A, p.Met245Ile (NM_004421.3); short protein forms M245I.
Identifiers: ClinVar variation 3608700 (VCV003608700.2).